The following is an entry in ClinVar:

NM_003482.4(KMT2D):c.13654CTGAAACAG[1] (p.4552LKQ[1])

Gene: KMT2D (lysine methyltransferase 2D; minus strand). Cytogenetic location: 12q13.12.
Variant type: Microsatellite.
Coding change: c.13654CTGAAACAG[1] on transcript NM_003482.4 (MANE Select); one copy of the 9-base unit CTGAAACAG starting at c.13654; the reference has two copies in a row; one copy, 9 bases deleted.
Protein change: p.4552LKQ[1].
Molecular consequence: inframe deletion.
Genome position (GRCh38, 1-based): chr12:49,030,893-49,030,901, CTGTTTCAG deleted on the plus strand (CTGAAACAG on the coding strand, the reverse complement: KMT2D is on the minus strand); deleting any 9 consecutive bases within chr12:49,030,893-49,030,911 gives the same sequence; the position shown is the placement nearest the transcript's 3' end. VCF-style (leftmost placement, unchanged base first): chr12-49030892-CCTGTTTCAG-C. GRCh37 (hg19) VCF-style: chr12-49424675-CCTGTTTCAG-C.
Identifiers: ClinVar variation 1675492 (VCV001675492.37), dbSNP rs767962797, ClinGen allele CA6545952.

ClinVar aggregate classification (germline): Uncertain significance. Review status: criteria provided, multiple submitters, no conflicts (2 of 4 stars). 2 submissions from 2 submitters: Uncertain significance (2). Last evaluated 2026-01-18.

Conditions:
Kabuki syndrome. Also called: NIIKAWA-KUROKI SYNDROME; Kabuki make-up syndrome. Identifiers: Orphanet 2322, MedGen C0796004, MONDO:0016512.

Submissions (2):

Labcorp Genetics (formerly Invitae), Labcorp
Classification: Uncertain significance for Kabuki syndrome. Last evaluated: 2026-01-18. Review status: criteria provided, single submitter. Criteria: Invitae Variant Classification Sherloc (09022015). Collection method: clinical testing. Allele origin: germline.
Comment: This variant, c.13663_13671del, results in the deletion of 3 amino acid(s) of the KMT2D protein (p.Leu4555_Gln4557del), but otherwise preserves the integrity of the reading frame. This variant also falls at the last nucleotide of exon 40, which is part of the consensus splice site for this exon. This variant is present in population databases (rs767962797, gnomAD 0.01%). This variant has been observed in individual(s) with clinical features of KMT2D-related conditions (PMID: 35591945). Variants that disrupt the consensus splice site are a relatively common cause of aberrant splicing (PMID: 17576681, 9536098). Algorithms developed to predict the effect of sequence changes on RNA splicing suggest that this variant may disrupt the consensus splice site. In summary, the available evidence is currently insufficient to determine the role of this variant in disease. Therefore, it has been classified as a Variant of Uncertain Significance.

CeGaT Center for Human Genetics Tuebingen
Classification: Uncertain significance. Last evaluated: 2022-02-01. Review status: criteria provided, single submitter. Criteria: CeGaT Center For Human Genetics Tuebingen Variant Classification Criteria Version 2. Collection method: clinical testing. Allele origin: germline. Affected: yes. Observed: 1 variant allele.

Literature cited by the submitters: PubMed 35591945 (cited by Labcorp Genetics (formerly Invitae), Labcorp); PubMed 17576681 (cited by Labcorp Genetics (formerly Invitae), Labcorp); PubMed 9536098 (cited by Labcorp Genetics (formerly Invitae), Labcorp).